The following is an entry in ClinVar:

NM_006015.6(ARID1A):c.962A>G (p.Gln321Arg)

Genes: ARID1A (AT-rich interaction domain 1A; plus strand), LOC129929837 (ATAC-STARR-seq lymphoblastoid silent region 489; plus strand). Cytogenetic location: 1p36.11.
Variant type: single nucleotide variant.
Coding change: c.962A>G on transcript NM_006015.6 (MANE Select); coding-DNA position 962, A replaced by G.
Protein change: p.Gln321Arg; replaces glutamine 321 with arginine.
Molecular consequence: missense variant.
Genome position (GRCh38, 1-based): chr1:26,697,365, A>G. VCF-style: chr1-26697365-A-G. GRCh37 (hg19) VCF-style: chr1-27023856-A-G.
Other names: c.962A>G, p.Gln321Arg (NM_139135.4); short protein forms Q321R.
Identifiers: ClinVar variation 4682076 (VCV004682076.5).

ClinVar aggregate classification (germline): Uncertain significance (1 of 4 stars; one submission).

Submission:

CeGaT Center for Human Genetics Tuebingen
Classification: Uncertain significance. Last evaluated: 2025-12-01. Review status: criteria provided, single submitter. Criteria: CeGaT Center For Human Genetics Tuebingen Variant Classification Criteria Version 2. Collection method: clinical testing. Allele origin: germline. Affected: yes. Observed: 1 variant allele.
Comment: ARID1A: PM2